The following is an entry in ClinVar:

ClinVar aggregate classification (germline): Uncertain significance. Review status: criteria provided, multiple submitters, no conflicts (2 of 4 stars). 2 submissions from 2 submitters: Uncertain significance (2). Last evaluated 2022-10-25.

Conditions:
Sneddon syndrome (SNDNS). Also called: LIVEDO RETICULARIS AND CEREBROVASCULAR ACCIDENTS; Idiopathic livedo reticularis with systemic involvement. Identifiers: Orphanet 820, MedGen C0282492, MONDO:0008436, OMIM 182410.
Deficiency of adenosine deaminase 2. Also called: Polyarteritis nodosa, childhoood-onset; Adenosine Deaminase 2 Deficiency; VASCULITIS, AUTOINFLAMMATION, IMMUNODEFICIENCY, AND HEMATOLOGIC DEFECTS SYNDROME. Identifiers: Orphanet 404553, MedGen C3887654, MONDO:0014306, OMIM 615688, MONDO:0100317.

Allele frequency attached by ClinVar (database versions not stated): ExAC 0.00001; gnomAD 0.00001; gnomAD exomes 0.00001 and 0.00002; TOPMed 0.00001; ESP Exome Variant Server 0.00008.
gnomAD v4.1: 8 of 1,613,698 alleles (0.0005%); highest among the groups gnomAD compares: African/African-American, 0.0013%; no homozygotes.

Submissions (2):

Labcorp Genetics (formerly Invitae), Labcorp
Classification: Uncertain significance for Deficiency of adenosine deaminase 2. Last evaluated: 2022-10-25. Review status: criteria provided, single submitter. Criteria: Invitae Variant Classification Sherloc (09022015). Collection method: clinical testing. Allele origin: germline.
Comment: This sequence change replaces aspartic acid, which is acidic and polar, with valine, which is neutral and non-polar, at codon 373 of the ADA2 protein (p.Asp373Val). This variant is present in population databases (rs375443506, gnomAD 0.005%). This variant has not been reported in the literature in individuals affected with ADA2-related conditions. ClinVar contains an entry for this variant (Variation ID: 648884). Advanced modeling of protein sequence and biophysical properties (such as structural, functional, and spatial information, amino acid conservation, physicochemical variation, residue mobility, and thermodynamic stability) performed at Invitae indicates that this missense variant is expected to disrupt ADA2 protein function. In summary, the available evidence is currently insufficient to determine the role of this variant in disease. Therefore, it has been classified as a Variant of Uncertain Significance.

Fulgent Genetics
Classification: Uncertain significance for Sneddon syndrome; Deficiency of adenosine deaminase 2. Last evaluated: 2022-05-04. Review status: criteria provided, single submitter. Criteria: ACMG Guidelines, 2015. Collection method: clinical testing. Allele origin: unknown.

NM_001282225.2(ADA2):c.1118A>T (p.Asp373Val)

Gene: ADA2 (adenosine deaminase 2; minus strand). Cytogenetic location: 22q11.1.
Variant type: single nucleotide variant.
Coding change: c.1118A>T on transcript NM_001282225.2 (MANE Select); coding-DNA position 1118, A replaced by T.
Protein change: p.Asp373Val; replaces aspartic acid 373 with valine.
Molecular consequence: missense variant.
Genome position (GRCh38, 1-based): chr22:17,182,725, T>A on the plus strand (A>T on the coding strand, the complement: ADA2 is on the minus strand). VCF-style: chr22-17182725-T-A. GRCh37 (hg19) VCF-style: chr22-17663615-T-A.
Other names: c.1118A>T, p.Asp373Val (NM_001282226.2); c.992A>T, p.Asp331Val (NM_001282227.2, NM_001282228.2); c.758A>T, p.Asp253Val (NM_001282229.2); c.395A>T, p.Asp132Val (NM_177405.3); short protein forms D132V, D253V, D331V, D373V.
Identifiers: ClinVar variation 648884 (VCV000648884.7), dbSNP rs375443506, ClinGen allele CA10087949.
Genomic context (GRCh38, chr22:17,182,725, plus strand): 5'-GCGGGGTGTTTGCTCAAAGCAAATCCATGGCCGATTCTGGTAGTGTTCAGCATCAGAGCA[T>A]CCAGAATGTTCCTGTCTATGGAAGTACCCTGCCAGTCTGAACACACGGGAATGGTCTTCC-3'
Protein context (NP_001269154.1, residues 363-383): QGTSIDRNIL[Asp373Val]ALMLNTTRIG